The following is an entry in ClinVar:

ClinVar aggregate classification (germline): Uncertain significance. Review status: criteria provided, multiple submitters, no conflicts (2 of 4 stars). 4 submissions from 4 submitters: Uncertain significance (4). Last evaluated 2026-01-15.

Conditions:
Type 2 diabetes mellitus. Also called: Type II diabetes mellitus. Identifiers: MedGen C0011860, MeSH D003924, MONDO:0005148, OMIM 125853, HP:0005978.
Hyperinsulinemic hypoglycemia, familial, 1 (HHF1). Also called: Persistent hyperinsulinemic hypoglycemia of infancy; HYPERINSULINISM, FAMILIAL, WITH PANCREATIC NESIDIOBLASTOSIS; HYPOGLYCEMIA, HYPERINSULINEMIC, OF INFANCY; NESIDIOBLASTOSIS OF PANCREAS; Persistent Hyperinsulinemia Hypoglycemia of Infancy. Identifiers: Orphanet 276575, Orphanet 276598, MedGen C2931832, MONDO:0009734, OMIM 256450.
Diabetes mellitus, permanent neonatal 3. Also called: ABCC8-Related Permanent Neonatal Diabetes Mellitus. Identifiers: MedGen C5394303, MONDO:0030088, OMIM 618857.
Diabetes mellitus, transient neonatal, 2 (TNDM2). Identifiers: Orphanet 99886, MedGen C1835887, MONDO:0012480, OMIM 610374. Disease mechanism: loss of function.
Leucine-induced hypoglycemia (LIH). Also called: LEUCINE-SENSITIVE HYPOGLYCEMIA OF INFANCY. Identifiers: MedGen C0271714, MONDO:0009415, OMIM 240800.

Allele frequency attached by ClinVar (database versions not stated): ExAC 0.00001; gnomAD 0.00001; gnomAD exomes 0.00001; TOPMed 0.00001.

Submissions (4):

Labcorp Genetics (formerly Invitae), Labcorp
Classification: Uncertain significance. Last evaluated: 2026-01-15. Review status: criteria provided, single submitter. Criteria: Invitae Variant Classification Sherloc (09022015). Collection method: clinical testing. Allele origin: germline.
Comment: This sequence change replaces arginine, which is basic and polar, with glutamine, which is neutral and polar, at codon 933 of the ABCC8 protein (p.Arg933Gln). This variant is present in population databases (rs745591375, gnomAD 0.007%). This missense change has been observed in individual(s) with clinical features of hyperinsulinism (PMID: 32027066). ClinVar contains an entry for this variant (Variation ID: 1337542). Invitae Evidence Modeling of protein sequence and biophysical properties (such as structural, functional, and spatial information, amino acid conservation, physicochemical variation, residue mobility, and thermodynamic stability) has been performed for this missense variant. However, the output from this modeling did not meet the statistical confidence thresholds required to predict the impact of this variant on ABCC8 protein function. In summary, the available evidence is currently insufficient to determine the role of this variant in disease. Therefore, it has been classified as a Variant of Uncertain Significance.

Fulgent Genetics
Classification: Uncertain significance for Type 2 diabetes mellitus; Leucine-induced hypoglycemia; Hyperinsulinemic hypoglycemia, familial, 1; Diabetes mellitus, transient neonatal, 2; Diabetes mellitus, permanent neonatal 3. Last evaluated: 2021-09-30. Review status: criteria provided, single submitter. Criteria: ACMG Guidelines, 2015. Collection method: clinical testing. Allele origin: unknown.

Blueprint Genetics
Classification: Uncertain significance. Last evaluated: 2020-09-29. Review status: criteria provided, single submitter. Criteria: ACMG Guidelines, 2015. Collection method: clinical testing. Allele origin: germline.

Genetic Services Laboratory, University of Chicago
Classification: Uncertain significance. Last evaluated: 2020-02-04. Review status: criteria provided, single submitter. Criteria: ACMG Guidelines, 2015. Collection method: clinical testing. Allele origin: germline. Affected: no.

Literature cited by the submitters: PubMed 32027066 (cited by Labcorp Genetics (formerly Invitae), Labcorp).

NM_000352.6(ABCC8):c.2798G>A (p.Arg933Gln)

Gene: ABCC8 (ATP binding cassette subfamily C member 8; minus strand). Cytogenetic location: 11p15.1.
Variant type: single nucleotide variant.
Coding change: c.2798G>A on transcript NM_000352.6 (MANE Select); coding-DNA position 2798, G replaced by A.
Protein change: p.Arg933Gln; replaces arginine 933 with glutamine.
Molecular consequence: missense variant. On other transcripts: non-coding transcript variant (1).
Genome position (GRCh38, 1-based): chr11:17,408,414, C>T on the plus strand (G>A on the coding strand, the complement: ABCC8 is on the minus strand). VCF-style: chr11-17408414-C-T. GRCh37 (hg19) VCF-style: chr11-17429961-C-T.
Other names: c.2801G>A, p.Arg934Gln (NM_001287174.3); c.2864G>A, p.Arg955Gln (NM_001351295.2); c.2798G>A, p.Arg933Gln (NM_001351296.2); c.2795G>A, p.Arg932Gln (NM_001351297.2); short protein forms R932Q, R933Q, R934Q, R955Q.
Identifiers: ClinVar variation 1337542 (VCV001337542.20), dbSNP rs745591375, ClinGen allele CA5903026.
Genomic context (GRCh38, chr11:17,408,414, plus strand): 5'-CCAGGGGTGGCTGCTTGGCCATCCCTGGATATACCCACCTTCTCCAGCTCTTGGTCCTGT[C>T]GGTTCATGAGGGTCTTCCAGTGCTCAAAGAGCTGGCATTCAGACCTCTGGAAGTCCTTGA-3'
Protein context (NP_000343.2, residues 923-943): LFEHWKTLMN[Arg933Gln]QDQELEKETV